The following is an entry in ClinVar:

ClinVar aggregate classification (germline): Uncertain significance (1 of 4 stars; one submission).

Conditions:
Deficiency of acetyl-CoA acetyltransferase. Also called: Beta-ketothiolase deficiency; MITOCHONDRIAL ACETOACETYL-CoA THIOLASE DEFICIENCY; 3-KETOTHIOLASE DEFICIENCY; 3-OXOTHIOLASE DEFICIENCY. Identifiers: Orphanet 134, MedGen C1536500, MONDO:0008760, OMIM 203750. Disease mechanism: loss of function.

Submission:

Labcorp Genetics (formerly Invitae), Labcorp
Classification: Uncertain significance for Deficiency of acetyl-CoA acetyltransferase. Last evaluated: 2022-03-08. Review status: criteria provided, single submitter. Criteria: Invitae Variant Classification Sherloc (09022015). Collection method: clinical testing. Allele origin: germline.
Comment: Advanced modeling of protein sequence and biophysical properties (such as structural, functional, and spatial information, amino acid conservation, physicochemical variation, residue mobility, and thermodynamic stability) performed at Invitae indicates that this missense variant is expected to disrupt ACAT1 protein function. In summary, the available evidence is currently insufficient to determine the role of this variant in disease. Therefore, it has been classified as a Variant of Uncertain Significance. This variant has not been reported in the literature in individuals affected with ACAT1-related conditions. This variant is not present in population databases (gnomAD no frequency). This sequence change replaces asparagine, which is neutral and polar, with aspartic acid, which is acidic and polar, at codon 414 of the ACAT1 protein (p.Asn414Asp).

NM_000019.4(ACAT1):c.1240A>G (p.Asn414Asp)

Gene: ACAT1 (acetyl-CoA acetyltransferase 1; plus strand). Cytogenetic location: 11q22.3.
Variant type: single nucleotide variant.
Coding change: c.1240A>G on transcript NM_000019.4 (MANE Select); coding-DNA position 1240, A replaced by G.
Protein change: p.Asn414Asp; replaces asparagine 414 with aspartic acid.
Molecular consequence: missense variant. On other transcripts: non-coding transcript variant (2).
Genome position (GRCh38, 1-based): chr11:108,147,346, A>G. VCF-style: chr11-108147346-A-G. GRCh37 (hg19) VCF-style: chr11-108018073-A-G.
Other names: c.1261A>G, p.Asn421Asp (NM_001386677.1); c.925A>G, p.Asn309Asp (NM_001386678.1); c.943A>G, p.Asn315Asp (NM_001386679.1); c.970A>G, p.Asn324Asp (NM_001386681.1, NM_001386682.1, NM_001386685.1 and 6 more transcripts); short protein forms N309D, N414D, N324D, N315D, N421D.
Identifiers: ClinVar variation 1497474 (VCV001497474.6), dbSNP rs2134798319, ClinGen allele CA382508850.